The following is an entry in ClinVar:

ClinVar aggregate classification (germline): Likely pathogenic (1 of 4 stars; one submission).

Conditions:
Glycogen storage disease, type II (IOPD). Also called: Glucosidase acid-1,4-alpha deficiency; Pompe Disease; GLYCOGENOSIS, GENERALIZED, CARDIAC FORM; GSD II; POMPE DISEASE, INFANTILE-ONSET; GLYCOGEN STORAGE DISEASE II, INFANTILE-ONSET. Identifiers: Orphanet 365, MedGen C0017921, MONDO:0009290, OMIM 232300.

gnomAD v4.1: 1 of 1,613,368 alleles (0.000062%); highest among the groups gnomAD compares: Non-Finnish European, 0.000085%; no homozygotes.

Submission:

Labcorp Genetics (formerly Invitae), Labcorp
Classification: Likely pathogenic for Glycogen storage disease, type II. Last evaluated: 2023-07-03. Review status: criteria provided, single submitter. Criteria: Invitae Variant Classification Sherloc (09022015). Collection method: clinical testing. Allele origin: germline.
Comment: In summary, the currently available evidence indicates that the variant is pathogenic, but additional data are needed to prove that conclusively. Therefore, this variant has been classified as Likely Pathogenic. This variant disrupts the p.Pro457 amino acid residue in GAA. Other variant(s) that disrupt this residue have been determined to be pathogenic (Invitae). This suggests that this residue is clinically significant, and that variants that disrupt this residue are likely to be disease-causing. Advanced modeling of protein sequence and biophysical properties (such as structural, functional, and spatial information, amino acid conservation, physicochemical variation, residue mobility, and thermodynamic stability) performed at Invitae indicates that this missense variant is expected to disrupt GAA protein function. This variant has not been reported in the literature in individuals affected with GAA-related conditions. This variant is not present in population databases (gnomAD no frequency). This sequence change replaces proline, which is neutral and non-polar, with serine, which is neutral and polar, at codon 457 of the GAA protein (p.Pro457Ser).

NM_000152.5(GAA):c.1369C>T (p.Pro457Ser)

Gene: GAA (alpha glucosidase; plus strand). Cytogenetic location: 17q25.3.
Variant type: single nucleotide variant.
Coding change: c.1369C>T on transcript NM_000152.5 (MANE Select); coding-DNA position 1369, C replaced by T.
Protein change: p.Pro457Ser; replaces proline 457 with serine.
Molecular consequence: missense variant.
Genome position (GRCh38, 1-based): chr17:80,109,987, C>T. VCF-style: chr17-80109987-C-T. GRCh37 (hg19) VCF-style: chr17-78083786-C-T.
Other names: c.1369C>T, p.Pro457Ser (NM_001079803.3, NM_001079804.3, NM_001406741.1 and 1 more transcripts); short protein forms P457S.
Identifiers: ClinVar variation 2862966 (VCV002862966.3), dbSNP rs2143866086, ClinGen allele CA401366410.